The following is an entry in ClinVar:

ClinVar aggregate classification (germline): Uncertain significance (1 of 4 stars; one submission).

Conditions:
Inborn genetic diseases. Identifiers: MedGen C0950123, MeSH D030342.

gnomAD v4.1: 3 of 1,614,068 alleles (0.00019%); highest among the groups gnomAD compares: Non-Finnish European, 0.00017%; no homozygotes.

Submission:

Ambry Genetics
Classification: Uncertain significance for Inborn genetic diseases. Last evaluated: 2026-03-06. Review status: criteria provided, single submitter. Criteria: Ambry Variant Classification Scheme 2023. Collection method: clinical testing. Allele origin: germline.
Comment: The p.V802M variant (also known as c.2404G>A), located in coding exon 12 of the BMPR2 gene, results from a G to A substitution at nucleotide position 2404. The valine at codon 802 is replaced by methionine, an amino acid with highly similar properties. This amino acid position is conserved. In addition, the in silico prediction for this alteration is inconclusive. Based on the available evidence, the clinical significance of this variant remains unclear.

NM_001204.7(BMPR2):c.2404G>A (p.Val802Met)

Gene: BMPR2 (bone morphogenetic protein receptor type 2; plus strand). Cytogenetic location: 2q33.2.
Variant type: single nucleotide variant.
Coding change: c.2404G>A on transcript NM_001204.7 (MANE Select); coding-DNA position 2404, G replaced by A.
Protein change: p.Val802Met; replaces valine 802 with methionine.
Molecular consequence: missense variant.
Genome position (GRCh38, 1-based): chr2:202,556,069, G>A. VCF-style: chr2-202556069-G-A. GRCh37 (hg19) VCF-style: chr2-203420792-G-A.
Other names: short protein forms V802M.
Identifiers: ClinVar variation 4827189 (VCV004827189.1).